The following is an entry in ClinVar:

ClinVar aggregate classification (germline): Uncertain significance. Review status: criteria provided, multiple submitters, no conflicts (2 of 4 stars). 2 submissions from 2 submitters: Uncertain significance (2). Last evaluated 2024-09-10.

Conditions:
Neuroblastoma, susceptibility to, 3. Also called: ALK-Related Neuroblastic Tumor Susceptibility. Identifiers: Orphanet 635, MedGen C2751681, MONDO:0013083, OMIM 613014.

gnomAD v4.1: 4 of 1,614,202 alleles (0.00025%); highest among the groups gnomAD compares: Non-Finnish European, 0.00034%; no homozygotes.

Submissions (2):

GeneDx
Classification: Uncertain significance. Last evaluated: 2024-09-10. Review status: criteria provided, single submitter. Criteria: GeneDx Variant Classification Process June 2021. Collection method: clinical testing. Allele origin: germline. Affected: yes.
Comment: Not observed at significant frequency in large population cohorts (gnomAD); In silico analysis supports that this missense variant has a deleterious effect on protein structure/function; Has not been previously published as pathogenic or benign to our knowledge

Labcorp Genetics (formerly Invitae), Labcorp
Classification: Uncertain significance for Neuroblastoma, susceptibility to, 3. Last evaluated: 2023-06-04. Review status: criteria provided, single submitter. Criteria: Invitae Variant Classification Sherloc (09022015). Collection method: clinical testing. Allele origin: germline.
Comment: This sequence change replaces valine, which is neutral and non-polar, with phenylalanine, which is neutral and non-polar, at codon 1019 of the ALK protein (p.Val1019Phe). In summary, the available evidence is currently insufficient to determine the role of this variant in disease. Therefore, it has been classified as a Variant of Uncertain Significance. An algorithm developed to predict the effect of missense changes on protein structure and function (PolyPhen-2) suggests that this variant is likely to be tolerated. ClinVar contains an entry for this variant (Variation ID: 1002387). This variant has not been reported in the literature in individuals affected with ALK-related conditions. This variant is not present in population databases (gnomAD no frequency).

NM_004304.5(ALK):c.3055G>T (p.Val1019Phe)

Gene: ALK (ALK receptor tyrosine kinase; minus strand). Cytogenetic location: 2p23.2.
Variant type: single nucleotide variant.
Coding change: c.3055G>T on transcript NM_004304.5 (MANE Select); coding-DNA position 3055, G replaced by T.
Protein change: p.Val1019Phe; replaces valine 1019 with phenylalanine.
Molecular consequence: missense variant.
Genome position (GRCh38, 1-based): chr2:29,226,934, C>A on the plus strand (G>T on the coding strand, the complement: ALK is on the minus strand). VCF-style: chr2-29226934-C-A. GRCh37 (hg19) VCF-style: chr2-29449800-C-A.
Other names: c.3055G>T (NM_004304.4); short protein forms V1019F.
Identifiers: ClinVar variation 1002387 (VCV001002387.9), dbSNP rs76742576, ClinGen allele CA346467549.
Genomic context (GRCh38, chr2:29,226,934, plus strand): 5'-AATCTCAGGCTATGGGCCCCTCTGCCTCCCCTGGCCCTGCCCCCTTACCAATGCAGGAGA[C>A]GCCATCCTCAGCCAGCACCGTCCCGTGGTCACAGAAGCAGATGACCTTGTGGCTTTCAGG-3'
Protein context (NP_004295.2, residues 1009-1029): DHGTVLAEDG[Val1019Phe]SCIVSPTPEP